The following is an entry in ClinVar:

ClinVar aggregate classification (germline): Uncertain significance (1 of 4 stars; one submission).

Conditions:
CLTCL1-related disorder. Also called: CLTCL1-related condition.

Allele frequency attached by ClinVar (database versions not stated): gnomAD exomes below 0.00001.

Submission:

PreventionGenetics, part of Exact Sciences
Classification: Uncertain significance for CLTCL1-related condition. Last evaluated: 2023-05-17. Review status: criteria provided, single submitter. Criteria: ACMG Guidelines, 2015. Collection method: clinical testing. Allele origin: germline.
Comment: The CLTCL1 c.1A>G variant is predicted to disrupt the translation initiation site (Start loss). To our knowledge, this variant has not been reported in the literature or in a large population database, indicating this variant is rare. At this time, the clinical significance of this variant is uncertain due to the absence of conclusive functional and genetic evidence.

NM_007098.4(CLTCL1):c.1A>G (p.Met1Val)

Gene: CLTCL1 (clathrin heavy chain like 1; minus strand). Cytogenetic location: 22q11.21.
Variant type: single nucleotide variant.
Coding change: c.1A>G on transcript NM_007098.4 (MANE Select); coding-DNA position 1, A replaced by G.
Protein change: p.Met1Val; changes the start codon (methionine 1).
Molecular consequence: missense variant, initiator codon variant.
Genome position (GRCh38, 1-based): chr22:19,291,641, T>C on the plus strand (A>G on the coding strand, the complement: CLTCL1 is on the minus strand). VCF-style: chr22-19291641-T-C. GRCh37 (hg19) VCF-style: chr22-19279164-T-C.
Other names: c.1A>G, p.Met1Val (NM_001835.4); short protein forms M1V.
Identifiers: ClinVar variation 2634140 (VCV002634140.1), dbSNP rs1406671305, ClinGen allele CA410628491.